The following is an entry in ClinVar:

ClinVar aggregate classification (germline): Pathogenic/Likely pathogenic. Review status: criteria provided, multiple submitters, no conflicts (2 of 4 stars). 5 submissions from 5 submitters: Pathogenic (3); Likely pathogenic (1). 1 of the submissions does not count toward it. Last evaluated 2022-02-26.

Conditions:
Tremor, hereditary essential, 4 (ETM4). Identifiers: MedGen C3539195, MONDO:0013888, OMIM 614782.
Amyotrophic lateral sclerosis type 6. Also called: AMYOTROPHIC LATERAL SCLEROSIS 6 WITHOUT FRONTOTEMPORAL DEMENTIA; FUS-Related Amyotrophic Laterial Sclerosis; Amyotrophic lateral sclerosis 6, with or without frontotemporal dementia. Identifiers: Orphanet 275872, Orphanet 803, MedGen C2931786, MONDO:0011951, OMIM 608030.
FUS-related disorder. Also called: FUS-related condition.

Submissions (5):

AiLife Diagnostics
Classification: Likely pathogenic. Last evaluated: 2022-02-26. Review status: criteria provided, single submitter. Criteria: ACMG Guidelines, 2015. Collection method: clinical testing. Allele origin: germline. Affected: yes. Observed: 1 variant allele.

Labcorp Genetics (formerly Invitae), Labcorp
Classification: Pathogenic for Tremor, hereditary essential, 4; Amyotrophic lateral sclerosis type 6. Last evaluated: 2021-11-20. Review status: criteria provided, single submitter. Criteria: Invitae Variant Classification Sherloc (09022015). Collection method: clinical testing. Allele origin: germline.
Comment: For these reasons, this variant has been classified as Pathogenic. Algorithms developed to predict the effect of sequence changes on RNA splicing suggest that this variant may disrupt the consensus splice site. ClinVar contains an entry for this variant (Variation ID: 447355). Disruption of this splice site has been observed in individuals with early-onset amyotrophic lateral sclerosis (PMID: 20232451, 25382069). This variant is not present in population databases (gnomAD no frequency). This sequence change affects a splice site in intron 13 of the FUS gene. It is expected to disrupt RNA splicing. Variants that disrupt the donor or acceptor splice site typically lead to a loss of protein function (PMID: 16199547), and loss-of-function variants in FUS are known to be pathogenic (PMID: 20660363, 23217123).

Institute of Human Genetics Munich, TUM University Hospital
Classification: Pathogenic for Amyotrophic lateral sclerosis type 6. Last evaluated: 2019-06-07. Review status: criteria provided, single submitter. Criteria: Classification criteria August 2017. Collection method: clinical testing. Allele origin: germline. Inheritance: Autosomal dominant inheritance. Affected: yes. Observed: 1 heterozygote.

Athena Diagnostics
Classification: Pathogenic. Last evaluated: 2016-09-27. Review status: criteria provided, single submitter. Criteria: Athena Diagnostics Criteria. Collection method: clinical testing. Allele origin: germline.

PreventionGenetics, part of Exact Sciences
Classification: Pathogenic for FUS-related condition. Last evaluated: 2024-08-31. Review status: no assertion criteria provided. Collection method: clinical testing. Allele origin: germline. Not counted in ClinVar's aggregate classification.
Comment: The FUS c.1394-2delA variant is predicted to result in a deletion affecting a canonical splice site. This variant has been reported in individuals with amyotrophic lateral sclerosis (ALS, Table 2, Cady et al. 2015. PubMed ID: 25382069) and frontotemporal dementia (FTD, Table S1, Wagner et al. 2021. PubMed ID: 34561610). RNA sequencing analysis confirmed that this variants results in exon 14 skipping and premature protein termination (Figure 1, Yang et al. 2023. PubMed ID: 36511129). Additional immunofluorescence studies have found that this variant leads to abnormal protein localization in the cytoplasm, likely due to the loss of the C-terminal nuclear localization signal (Figure 2, same study). This variant has not been reported the gnomAD database, indicating this variant is rare. Of note, additional splice-altering variants at the same acceptor site have been reported in individuals with ALS (c.1394-2A>G, DeJesus-Hernandez et al. 2010. PubMed ID: 20232451; c.1394-1G>T, Tunca et al. 2020. PubMed ID: 32579787; c.1394-1G>C, Chen et al. 2022. PubMed ID: 34544842). Loss of function variants in FUS are expected to be pathogenic. Taken together, the c.1394-2delA variant is interpreted as pathogenic.

Literature cited by the submitters: PubMed 25382069 (cited by 3 submitters); PubMed 20232451 (cited by Labcorp Genetics (formerly Invitae), Labcorp); PubMed 16199547 (cited by Labcorp Genetics (formerly Invitae), Labcorp); PubMed 20660363 (cited by Labcorp Genetics (formerly Invitae), Labcorp); PubMed 23217123 (cited by Labcorp Genetics (formerly Invitae), Labcorp).

NM_004960.4(FUS):c.1394-2del

Gene: FUS (FUS RNA binding protein; plus strand). Cytogenetic location: 16p11.2.
Variant type: Deletion.
Coding change: c.1394-2del on transcript NM_004960.4 (MANE Select); the canonical splice acceptor site of the intron before coding-DNA position 1394, one base deleted (A; older notation c.1394-2delA).
Molecular consequence: splice acceptor variant.
Genome position (GRCh38, 1-based): chr16:31,190,961, A deleted. VCF-style (leftmost placement, unchanged base first): chr16-31190960-TA-T. GRCh37 (hg19) VCF-style: chr16-31202281-TA-T.
Other names: c.1394-2delA (NM_004960.3); c.1382-2del (NM_001170937.1); c.1391-2del (NM_001170634.1).
Identifiers: ClinVar variation 447355 (VCV000447355.13), dbSNP rs1555509569, ClinGen allele CA658658463.
Genomic context (GRCh38, chr16:31,190,960, plus strand): 5'-GCGGGGAGGCTCGGGGAACATAGGGGAATGGGAATATGATAGATCTTGTTTCTTTTGTCC[TA>T]GGGGGTAACTACGGGGATGATCGTCGTGGTGGCAGAGGAGGCTATGATCGAGGCGGCTAC-3'